The following is an entry in ClinVar:

NM_147127.5(EVC2):c.3360+272A>G

Gene: EVC2 (EvC ciliary complex subunit 2; minus strand). Cytogenetic location: 4p16.2.
Variant type: single nucleotide variant.
Coding change: c.3360+272A>G on transcript NM_147127.5 (MANE Select); 272 bases into the intron after coding-DNA position 3360, A replaced by G.
Molecular consequence: intron variant.
Genome position (GRCh38, 1-based): chr4:5,574,413, T>C on the plus strand (A>G on the coding strand, the complement: EVC2 is on the minus strand). VCF-style: chr4-5574413-T-C. GRCh37 (hg19) VCF-style: chr4-5576140-T-C.
Other names: c.3120+272A>G (NM_001166136.2).
Identifiers: ClinVar variation 667872 (VCV000667872.1), dbSNP rs7670299, ClinGen allele CA11844471.

ClinVar aggregate classification (germline): Benign (1 of 4 stars; one submission).

Allele frequency attached by ClinVar (database versions not stated): gnomAD 0.47038 and 0.47670; TOPMed 0.48831; 1000 Genomes Project 30x 0.61337; 1000 Genomes Project 0.61522.
gnomAD v4.1: 72,285 of 152,100 alleles (48%); highest among the groups gnomAD compares: East Asian, 86%; 18,887 homozygotes.

Submission:

GeneDx
Classification: Benign. Last evaluated: 2018-06-14. Review status: criteria provided, single submitter. Criteria: GeneDx Variant Classification (06012015). Collection method: clinical testing. Allele origin: germline. Affected: yes.
Comment: This variant is considered likely benign or benign based on one or more of the following criteria: it is a conservative change, it occurs at a poorly conserved position in the protein, it is predicted to be benign by multiple in silico algorithms, and/or has population frequency not consistent with disease.